The following is an entry in ClinVar:

ClinVar aggregate classification (germline): Uncertain significance (1 of 4 stars; one submission).

Conditions:
Peters plus syndrome. Also called: KRAUSE-KIVLIN SYNDROME. Identifiers: Orphanet 709, MedGen C0796012, MONDO:0009856, OMIM 261540.

Submission:

Labcorp Genetics (formerly Invitae), Labcorp
Classification: Uncertain significance for Peters plus syndrome. Last evaluated: 2020-12-08. Review status: criteria provided, single submitter. Criteria: Invitae Variant Classification Sherloc (09022015). Collection method: clinical testing. Allele origin: germline.
Comment: In summary, the available evidence is currently insufficient to determine the role of this variant in disease. Therefore, it has been classified as a Variant of Uncertain Significance. This sequence change replaces alanine with serine at codon 86 of the B3GLCT protein (p.Ala86Ser). The alanine residue is moderately conserved and there is a moderate physicochemical difference between alanine and serine. This variant is not present in population databases (ExAC no frequency). This variant has not been reported in the literature in individuals with B3GLCT-related conditions. Algorithms developed to predict the effect of missense changes on protein structure and function output the following: SIFT: "Tolerated"; PolyPhen-2: "Benign"; Align-GVGD: "Class C0". The serine amino acid residue is found in multiple mammalian species, suggesting that this missense change does not adversely affect protein function. These predictions have not been confirmed by published functional studies and their clinical significance is uncertain.

NM_194318.4(B3GLCT):c.256G>T (p.Ala86Ser)

Gene: B3GLCT (beta 3-glucosyltransferase; plus strand). Cytogenetic location: 13q12.3.
Variant type: single nucleotide variant.
Coding change: c.256G>T on transcript NM_194318.4 (MANE Select); coding-DNA position 256, G replaced by T.
Protein change: p.Ala86Ser; replaces alanine 86 with serine.
Molecular consequence: missense variant.
Genome position (GRCh38, 1-based): chr13:31,229,280, G>T. VCF-style: chr13-31229280-G-T. GRCh37 (hg19) VCF-style: chr13-31803417-G-T.
Other names: short protein forms A86S.
Identifiers: ClinVar variation 1464554 (VCV001464554.8), dbSNP rs1870254261, ClinGen allele CA387731007.